The following is an entry in ClinVar:

NM_001013838.3(CARMIL2):c.4249C>A (p.Pro1417Thr)

Gene: CARMIL2 (capping protein regulator and myosin 1 linker 2; plus strand). Cytogenetic location: 16q22.1.
Variant type: single nucleotide variant.
Coding change: c.4249C>A on transcript NM_001013838.3 (MANE Select); coding-DNA position 4249, C replaced by A.
Protein change: p.Pro1417Thr; replaces proline 1417 with threonine.
Molecular consequence: missense variant.
Genome position (GRCh38, 1-based): chr16:67,657,459, C>A. VCF-style: chr16-67657459-C-A. GRCh37 (hg19) VCF-style: chr16-67691362-C-A.
Other names: c.4060C>A, p.Pro1354Thr (NM_001317026.3); short protein forms P1417T, P1354T.
Identifiers: ClinVar variation 2908673 (VCV002908673.3), dbSNP rs557611159, ClinGen allele CA8114311.

ClinVar aggregate classification (germline): Uncertain significance. Review status: criteria provided, multiple submitters, no conflicts (2 of 4 stars). 2 submissions from 2 submitters: Uncertain significance (2). Last evaluated 2025-10-06.

gnomAD v4.1: 9 of 1,611,546 alleles (0.00056%); highest among the groups gnomAD compares: Admixed American, 0.0067%; no homozygotes.

Submissions (2):

Labcorp Genetics (formerly Invitae), Labcorp
Classification: Uncertain significance. Last evaluated: 2025-10-06. Review status: criteria provided, single submitter. Criteria: Invitae Variant Classification Sherloc (09022015). Collection method: clinical testing. Allele origin: germline.
Comment: This sequence change replaces proline, which is neutral and non-polar, with threonine, which is neutral and polar, at codon 1417 of the CARMIL2 protein (p.Pro1417Thr). The frequency data for this variant in the population databases is considered unreliable, as metrics indicate poor data quality at this position in the gnomAD database. This variant has not been reported in the literature in individuals affected with CARMIL2-related conditions. ClinVar contains an entry for this variant (Variation ID: 2908673). An algorithm developed to predict the effect of missense changes on protein structure and function (PolyPhen-2) suggests that this variant is likely to be disruptive. In summary, the available evidence is currently insufficient to determine the role of this variant in disease. Therefore, it has been classified as a Variant of Uncertain Significance.

Blueprint Genetics
Classification: Uncertain significance. Last evaluated: 2019-08-12. Review status: criteria provided, single submitter. Criteria: ACMG Guidelines, 2015. Collection method: clinical testing. Allele origin: germline.